The following is an entry in ClinVar:

NM_006279.5(ST3GAL3):c.344G>T (p.Arg115Leu)

Gene: ST3GAL3 (ST3 beta-galactoside alpha-2,3-sialyltransferase 3; plus strand). Cytogenetic location: 1p34.1.
Variant type: single nucleotide variant.
Coding change: c.344G>T on transcript NM_006279.5 (MANE Select); coding-DNA position 344, G replaced by T.
Protein change: p.Arg115Leu; replaces arginine 115 with leucine.
Molecular consequence: missense variant. On other transcripts: non-coding transcript variant (8), intron variant (1).
Genome position (GRCh38, 1-based): chr1:43,894,424, G>T. VCF-style: chr1-43894424-G-T. GRCh37 (hg19) VCF-style: chr1-44360096-G-T.
Other names: p.Arg115Leu; c.344G>T, p.Arg115Leu (NM_001270459.2, NM_001350620.2, NM_174966.4 and 1 more transcripts); c.251G>T, p.Arg84Leu (NM_001270460.2); c.296G>T, p.Arg99Leu (NM_001270461.3, NM_001270464.3, NM_174969.4 and 1 more transcripts); c.203G>T, p.Arg68Leu (NM_001270462.3); c.341G>T, p.Arg114Leu (NM_001270463.3, NM_001270465.3); c.389G>T, p.Arg130Leu (NM_001350619.2, NM_174964.4, NM_174965.4); c.65G>T, p.Arg22Leu (NM_001350621.2); and 4 more; short protein forms R169L, R22L, R99L, R115L, R153L, R130L, R184L, R84L.
Identifiers: ClinVar variation 1478616 (VCV001478616.10), dbSNP rs767108992, ClinGen allele CA814658.

ClinVar aggregate classification (germline): Uncertain significance. Review status: criteria provided, multiple submitters, no conflicts (2 of 4 stars). 2 submissions from 2 submitters: Uncertain significance (2). Last evaluated 2025-07-11.

Conditions:
Early-infantile DEE. Also called: Early infantile epileptic encephalopathy with suppression bursts; Early infantile epileptic encephalopathy; Ohtahara syndrome. Identifiers: Orphanet 1934, MedGen C0393706, MONDO:0800491.

gnomAD v4.1: 7 of 1,613,974 alleles (0.00043%); highest among the groups gnomAD compares: East Asian, 0.0045%; no homozygotes.

Submissions (2):

Mayo Clinic Laboratories, Mayo Clinic
Classification: Uncertain significance. Last evaluated: 2025-07-11. Review status: criteria provided, single submitter. Criteria: ACMG Guidelines, 2015. Collection method: clinical testing. Allele origin: germline. Observed: 1 variant allele.
Comment: BP4_moderate, PM2_supporting

Labcorp Genetics (formerly Invitae), Labcorp
Classification: Uncertain significance for Early-infantile DEE. Last evaluated: 2023-10-03. Review status: criteria provided, single submitter. Criteria: Invitae Variant Classification Sherloc (09022015). Collection method: clinical testing. Allele origin: germline.
Comment: This sequence change replaces arginine, which is basic and polar, with leucine, which is neutral and non-polar, at codon 115 of the ST3GAL3 protein (p.Arg115Leu). This variant is present in population databases (rs767108992, gnomAD 0.01%). This variant has not been reported in the literature in individuals affected with ST3GAL3-related conditions. ClinVar contains an entry for this variant (Variation ID: 1478616). Advanced modeling of protein sequence and biophysical properties (such as structural, functional, and spatial information, amino acid conservation, physicochemical variation, residue mobility, and thermodynamic stability) performed at Invitae indicates that this missense variant is not expected to disrupt ST3GAL3 protein function. In summary, the available evidence is currently insufficient to determine the role of this variant in disease. Therefore, it has been classified as a Variant of Uncertain Significance.